The following is an entry in ClinVar:

NM_001244008.2(KIF1A):c.2509G>A (p.Glu837Lys)

Gene: KIF1A (kinesin family member 1A; minus strand). Cytogenetic location: 2q37.3.
Variant type: single nucleotide variant.
Coding change: c.2509G>A on transcript NM_001244008.2 (MANE Select); coding-DNA position 2509, G replaced by A.
Protein change: p.Glu837Lys; replaces glutamic acid 837 with lysine.
Molecular consequence: missense variant.
Genome position (GRCh38, 1-based): chr2:240,758,433, C>T on the plus strand (G>A on the coding strand, the complement: KIF1A is on the minus strand). VCF-style: chr2-240758433-C-T. GRCh37 (hg19) VCF-style: chr2-241697850-C-T.
Other names: c.2509G>A, p.Glu837Lys (NM_001320705.2, NM_001330289.2, NM_001379638.1); c.2584G>A, p.Glu862Lys (NM_001330290.2, NM_001379631.1, NM_001379634.1 and 2 more transcripts); c.2482G>A, p.Glu828Lys (NM_001379632.1, NM_001379633.1, NM_001379636.1 and 11 more transcripts); c.2557G>A, p.Glu853Lys (NM_001379637.1, NM_001379648.1); c.2482G>A (NM_004321.6); short protein forms E837K, E853K, E862K, E828K.
Identifiers: ClinVar variation 2061660 (VCV002061660.5), dbSNP rs908976259, ClinGen allele CA68170643.
Genomic context (GRCh38, chr2:240,758,433, plus strand): 5'-GGAACCAGGGGAAGCGGTCATAGAAGGGGTCTCCGCCGGTCACCACGTTGTCACAGTCCT[C>T]GATGACACTGGAGGGCACCTCTGCAGCGCGGTCGTACATCTCCCGCATCAGGTCCAGACG-3'
Protein context (NP_001230937.1, residues 827-847): RAAEVPSSVI[Glu837Lys]DCDNVVTGGD

ClinVar aggregate classification (germline): Conflicting classifications of pathogenicity. Review status: criteria provided, conflicting classifications (1 of 4 stars). 2 submissions from 2 submitters: Uncertain significance (1); Likely benign (1). Last evaluated 2026-01-10.

Conditions:
Hereditary spastic paraplegia 30. Identifiers: Orphanet 101010, MedGen C5235139, MONDO:0012476.
Neuropathy, hereditary sensory, type 2C. Also called: Hereditary sensory and autonomic neuropathy type IIC; KIF1A-Related HSAN2 (HSAN2C). Identifiers: Orphanet 970, MedGen C3280168, MONDO:0013634, OMIM 614213.
Intellectual disability, autosomal dominant 9 (NESCAVS). Also called: NESCAV SYNDROME; KIF1A-Related Neurodevelopmental Disorder. Identifiers: Orphanet 662367, MedGen C5393830, MONDO:0013656, OMIM 614255.

Allele frequency attached by ClinVar (database versions not stated): gnomAD 0.00001; gnomAD exomes 0.00002; TOPMed 0.00002.
gnomAD v4.1: 22 of 1,612,282 alleles (0.0014%); highest among the groups gnomAD compares: Admixed American, 0.0067%; no homozygotes.

Submissions (2):

Labcorp Genetics (formerly Invitae), Labcorp
Classification: Likely benign for Hereditary spastic paraplegia 30; Neuropathy, hereditary sensory, type 2C; Intellectual disability, autosomal dominant 9. Last evaluated: 2026-01-10. Review status: criteria provided, single submitter. Criteria: Invitae Variant Classification Sherloc (09022015). Collection method: clinical testing. Allele origin: germline.

GeneDx
Classification: Uncertain significance. Last evaluated: 2024-11-20. Review status: criteria provided, single submitter. Criteria: GeneDx Variant Classification Process June 2021. Collection method: clinical testing. Allele origin: germline. Affected: yes.
Comment: In silico analysis indicates that this missense variant does not alter protein structure/function; Has not been previously published as pathogenic or benign to our knowledge